The following is an entry in ClinVar:

NM_206937.2(LIG4):c.845A>T (p.His282Leu)

Gene: LIG4 (DNA ligase 4; minus strand). Cytogenetic location: 13q33.3.
Variant type: single nucleotide variant.
Coding change: c.845A>T on transcript NM_206937.2 (MANE Select); coding-DNA position 845, A replaced by T.
Protein change: p.His282Leu; replaces histidine 282 with leucine.
Molecular consequence: missense variant.
Genome position (GRCh38, 1-based): chr13:108,210,424, T>A on the plus strand (A>T on the coding strand, the complement: LIG4 is on the minus strand). VCF-style: chr13-108210424-T-A. GRCh37 (hg19) VCF-style: chr13-108862772-T-A.
Other names: c.845A>T, p.His282Leu (NM_001098268.2, NM_001352598.2, NM_001352599.2 and 6 more transcripts); c.644A>T, p.His215Leu (NM_001330595.2); c.881A>T, p.His294Leu (NM_001352604.2); short protein forms H282L, H215L, H294L.
Identifiers: ClinVar variation 845678 (VCV000845678.9), dbSNP rs777008519, ClinGen allele CA7043790.

ClinVar aggregate classification (germline): Pathogenic. Review status: criteria provided, multiple submitters, no conflicts (2 of 4 stars). 2 submissions from 2 submitters: Pathogenic (2). Last evaluated 2024-10-18.

Conditions:
DNA ligase IV deficiency. Identifiers: Orphanet 99812, MedGen C1847827, MONDO:0011686, OMIM 606593.
Severe combined immunodeficiency disease. Also called: Severe combined immunodeficiency; Severe Combined Immune Deficiency. Identifiers: Orphanet 183660, MedGen C0085110, MeSH D016511, MONDO:0015974, HP:0004430. Inheritance: X-Linked or Autosomal recessive.

Allele frequency attached by ClinVar (database versions not stated): ExAC 0.00001; gnomAD 0.00001; TOPMed 0.00003.
gnomAD v4.1: 23 of 1,613,476 alleles (0.0014%); highest among the groups gnomAD compares: Non-Finnish European, 0.0019%; no homozygotes.

Submissions (2):

Labcorp Genetics (formerly Invitae), Labcorp
Classification: Pathogenic for DNA ligase IV deficiency. Last evaluated: 2024-10-18. Review status: criteria provided, single submitter. Criteria: Invitae Variant Classification Sherloc (09022015). Collection method: clinical testing. Allele origin: germline.
Comment: This sequence change replaces histidine, which is basic and polar, with leucine, which is neutral and non-polar, at codon 282 of the LIG4 protein (p.His282Leu). This variant is present in population databases (rs777008519, gnomAD 0.002%). This missense change has been observed in individual(s) with LIG4 syndrome (PMID: 16585603, 18845326, 31604460). In at least one individual the data is consistent with being in trans (on the opposite chromosome) from a pathogenic variant. It has also been observed to segregate with disease in related individuals. ClinVar contains an entry for this variant (Variation ID: 845678). Invitae Evidence Modeling of protein sequence and biophysical properties (such as structural, functional, and spatial information, amino acid conservation, physicochemical variation, residue mobility, and thermodynamic stability) indicates that this missense variant is expected to disrupt LIG4 protein function with a positive predictive value of 95%. For these reasons, this variant has been classified as Pathogenic.

Women's Health and Genetics/Laboratory Corporation of America, LabCorp
Classification: Pathogenic for Severe combined immunodeficiency disease. Last evaluated: 2022-04-01. Review status: criteria provided, single submitter. Criteria: LabCorp Variant Classification Summary - May 2015. Collection method: clinical testing. Allele origin: germline.
Comment: Variant summary: LIG4 c.845A>T (p.His282Leu) results in a non-conservative amino acid change located in the DNA ligase, ATP-dependent, central domain (IPR012310) of the encoded protein sequence. Five of five in-silico tools predict a damaging effect of the variant on protein function. The variant allele was found at a frequency of 8e-06 in 250524 control chromosomes (gnomAD). c.845A>T has been reported in the literature in multiple compound heterozygous individuals affected with Severe Combined Immunodeficiency and segregated with disease in two families (Enders_2006, Grunebaum_2008, Lobachevsky_2015, Schober_2019). One of these studies demonstrated ex vivo irradiated primary skin fibroblasts, derived from a patient with the variant, to be repair-deficient and the patient was classified as radiosensitive (Lobachevsky_2015). These data indicate that the variant is very likely to be associated with disease. A ClinVar submitter (evaluation after 2014) cites the variant as likely pathogenic. Based on the evidence outlined above, the variant was classified as pathogenic.

Literature cited by the submitters: PubMed 16585603 (cited by Labcorp Genetics (formerly Invitae), Labcorp and Women's Health and Genetics/Laboratory Corporation of America, LabCorp); PubMed 18845326 (cited by Labcorp Genetics (formerly Invitae), Labcorp and Women's Health and Genetics/Laboratory Corporation of America, LabCorp); PubMed 31604460 (cited by Labcorp Genetics (formerly Invitae), Labcorp and Women's Health and Genetics/Laboratory Corporation of America, LabCorp); PubMed 26151233 (cited by Women's Health and Genetics/Laboratory Corporation of America, LabCorp).